The following is an entry in ClinVar:

ClinVar aggregate classification (germline): Pathogenic (1 of 4 stars; one submission).

Conditions:
Mowat-Wilson syndrome (MOWS). Also called: Classic Mowat-Wilson Syndrome. Identifiers: Orphanet 2152, MedGen C1856113, MONDO:0009341, OMIM 235730.

Submission:

Labcorp Genetics (formerly Invitae), Labcorp
Classification: Pathogenic for Mowat-Wilson syndrome. Last evaluated: 2024-10-16. Review status: criteria provided, single submitter. Criteria: Invitae Variant Classification Sherloc (09022015). Collection method: clinical testing. Allele origin: germline.
Comment: This sequence change creates a premature translational stop signal (p.Pro122Glnfs*14) in the ZEB2 gene. It is expected to result in an absent or disrupted protein product. Loss-of-function variants in ZEB2 are known to be pathogenic (PMID: 16053902). This variant is not present in population databases (gnomAD no frequency). This variant has not been reported in the literature in individuals affected with ZEB2-related conditions. For these reasons, this variant has been classified as Pathogenic.

Literature cited by the submitters: PubMed 16053902.

NM_014795.4(ZEB2):c.365del (p.Pro122fs)

Gene: ZEB2 (zinc finger E-box binding homeobox 2; minus strand). Cytogenetic location: 2q22.3.
Variant type: Deletion.
Coding change: c.365del on transcript NM_014795.4 (MANE Select); coding-DNA position 365, one base deleted (C; older notation c.365delC).
Protein change: p.Pro122fs; shifts the reading frame from proline 122.
Molecular consequence: frameshift variant. On other transcripts: intron variant (1).
Genome position (GRCh38, 1-based): chr2:144,424,834, G deleted on the plus strand (C on the coding strand, the reverse complement: ZEB2 is on the minus strand); the first of 2 consecutive G bases (chr2:144,424,834-144,424,835); deleting either gives the same sequence. VCF-style (leftmost placement, unchanged base first): chr2-144424833-TG-T. GRCh37 (hg19) VCF-style: chr2-145182400-TG-T.
Other names: c.331+4935del (NM_001171653.2); short protein forms P122fs.
Identifiers: ClinVar variation 3722204 (VCV003722204.2).
Genomic context (GRCh38, chr2:144,424,833, plus strand): 5'-TGAGCGTGGCCAACATAACTCACCTGTACCATTGTTAATTGCGGTCTGGATCGTGGCTTC[TG>T]GCCCCATAGTGTCATAGTCTTCCTTCATTTCTTCTGTGGGGGAAAATTATCTTTAGCATT-3'